The following is an entry in ClinVar:

NM_014804.3(KIAA0753):c.1941_1944del (p.Glu647fs)

Gene: KIAA0753 (KIAA0753; minus strand). Cytogenetic location: 17p13.1.
Variant type: Deletion.
Coding change: c.1941_1944del on transcript NM_014804.3 (MANE Select); coding-DNA positions 1941 to 1944, 4 bases deleted (AACT; older notation c.1941_1944delAACT).
Protein change: p.Glu647fs; shifts the reading frame from glutamic acid 647.
Molecular consequence: frameshift variant. On other transcripts: non-coding transcript variant (3).
Genome position (GRCh38, 1-based): chr17:6,606,938-6,606,941, AGTT deleted on the plus strand (AACT on the coding strand, the reverse complement: KIAA0753 is on the minus strand). VCF-style (leftmost placement, unchanged base first): chr17-6606937-AAGTT-A. GRCh37 (hg19) VCF-style: chr17-6510257-AAGTT-A.
Other names: c.1044_1047del, p.Glu348fs (NM_001351225.2); short protein forms E348fs, E647fs.
Identifiers: ClinVar variation 2021463 (VCV002021463.4), dbSNP rs2544389456, ClinGen allele CA2580094728.

ClinVar aggregate classification (germline): Pathogenic (1 of 4 stars; one submission).

Submission:

Labcorp Genetics (formerly Invitae), Labcorp
Classification: Pathogenic. Last evaluated: 2023-04-24. Review status: criteria provided, single submitter. Criteria: Invitae Variant Classification Sherloc (09022015). Collection method: clinical testing. Allele origin: germline.
Comment: This variant has not been reported in the literature in individuals affected with KIAA0753-related conditions. For these reasons, this variant has been classified as Pathogenic. ClinVar contains an entry for this variant (Variation ID: 2021463). This variant is not present in population databases (gnomAD no frequency). This sequence change creates a premature translational stop signal (p.Glu647Aspfs*8) in the KIAA0753 gene. It is expected to result in an absent or disrupted protein product. Loss-of-function variants in KIAA0753 are known to be pathogenic (PMID: 29138412).

Literature cited by the submitters: PubMed 29138412.